The following is an entry in ClinVar:

ClinVar aggregate classification (germline): Uncertain significance (1 of 4 stars; one submission).

Conditions:
Brugada syndrome. Also called: Sudden Unexplained Death Syndrome; Sudden Unexplained Nocturnal Death Syndrome (SUNDS); Sudden unexpected nocturnal death syndrome; Sudden unexplained nocturnal death syndrome. Identifiers: Orphanet 130, MedGen C1142166, MONDO:0015263.

gnomAD v4.1: 1 of 1,614,182 alleles (0.000062%); highest among the groups gnomAD compares: Non-Finnish European, 0.000085%; no homozygotes.

Submission:

Labcorp Genetics (formerly Invitae), Labcorp
Classification: Uncertain significance for Brugada syndrome. Last evaluated: 2024-10-28. Review status: criteria provided, single submitter. Criteria: Invitae Variant Classification Sherloc (09022015). Collection method: clinical testing. Allele origin: germline.
Comment: This sequence change replaces glutamic acid, which is acidic and polar, with alanine, which is neutral and non-polar, at codon 1945 of the SCN10A protein (p.Glu1945Ala). This variant is not present in population databases (gnomAD no frequency). This variant has not been reported in the literature in individuals affected with SCN10A-related conditions. Invitae Evidence Modeling of protein sequence and biophysical properties (such as structural, functional, and spatial information, amino acid conservation, physicochemical variation, residue mobility, and thermodynamic stability) indicates that this missense variant is not expected to disrupt SCN10A protein function with a negative predictive value of 95%. In summary, the available evidence is currently insufficient to determine the role of this variant in disease. Therefore, it has been classified as a Variant of Uncertain Significance.

NM_006514.4(SCN10A):c.5834A>C (p.Glu1945Ala)

Gene: SCN10A (sodium voltage-gated channel alpha subunit 10; minus strand). Cytogenetic location: 3p22.2.
Variant type: single nucleotide variant.
Coding change: c.5834A>C on transcript NM_006514.4 (MANE Select); coding-DNA position 5834, A replaced by C.
Protein change: p.Glu1945Ala; replaces glutamic acid 1945 with alanine.
Molecular consequence: missense variant.
Genome position (GRCh38, 1-based): chr3:38,697,386, T>G on the plus strand (A>C on the coding strand, the complement: SCN10A is on the minus strand). VCF-style: chr3-38697386-T-G. GRCh37 (hg19) VCF-style: chr3-38738877-T-G.
Other names: c.5831A>C, p.Glu1944Ala (NM_001293306.2); c.5540A>C, p.Glu1847Ala (NM_001293307.2); short protein forms E1847A, E1945A, E1944A.
Identifiers: ClinVar variation 3691498 (VCV003691498.2).